The following is an entry in ClinVar:

NM_004218.4(RAB11B):c.572C>T (p.Pro191Leu)

Gene: RAB11B (RAB11B, member RAS oncogene family; plus strand). Cytogenetic location: 19p13.2.
Variant type: single nucleotide variant.
Coding change: c.572C>T on transcript NM_004218.4 (MANE Select); coding-DNA position 572, C replaced by T.
Protein change: p.Pro191Leu; replaces proline 191 with leucine.
Molecular consequence: missense variant.
Genome position (GRCh38, 1-based): chr19:8,403,473, C>T. VCF-style: chr19-8403473-C-T. GRCh37 (hg19) VCF-style: chr19-8468357-C-T.
Other names: short protein forms P191L.
Identifiers: ClinVar variation 1392219 (VCV001392219.6), dbSNP rs776791936, ClinGen allele CA9156430.

ClinVar aggregate classification (germline): Uncertain significance (1 of 4 stars; one submission).

Allele frequency attached by ClinVar (database versions not stated): gnomAD 0.00001 and 0.00002; ExAC 0.00002; gnomAD exomes 0.00003.
gnomAD v4.1: 43 of 1,613,854 alleles (0.0027%); highest among the groups gnomAD compares: East Asian, 0.0089%; no homozygotes.

Submission:

Labcorp Genetics (formerly Invitae), Labcorp
Classification: Uncertain significance. Last evaluated: 2025-07-07. Review status: criteria provided, single submitter. Criteria: Invitae Variant Classification Sherloc (09022015). Collection method: clinical testing. Allele origin: germline.
Comment: This sequence change replaces proline, which is neutral and non-polar, with leucine, which is neutral and non-polar, at codon 191 of the RAB11B protein (p.Pro191Leu). This variant is present in population databases (rs776791936, gnomAD 0.02%). This variant has not been reported in the literature in individuals affected with RAB11B-related conditions. ClinVar contains an entry for this variant (Variation ID: 1392219). An algorithm developed to predict the effect of missense changes on protein structure and function (PolyPhen-2) suggests that this variant is likely to be tolerated. In summary, the available evidence is currently insufficient to determine the role of this variant in disease. Therefore, it has been classified as a Variant of Uncertain Significance.